The following is an entry in ClinVar:

NM_015450.3(POT1):c.202G>A (p.Ala68Thr)

Gene: POT1 (protection of telomeres 1; minus strand). Cytogenetic location: 7q31.33.
Variant type: single nucleotide variant.
Coding change: c.202G>A on transcript NM_015450.3 (MANE Select); coding-DNA position 202, G replaced by A.
Protein change: p.Ala68Thr; replaces alanine 68 with threonine.
Molecular consequence: missense variant. On other transcripts: non-coding transcript variant (3), intron variant (1).
Genome position (GRCh38, 1-based): chr7:124,870,964, C>T on the plus strand (G>A on the coding strand, the complement: POT1 is on the minus strand). VCF-style: chr7-124870964-C-T. GRCh37 (hg19) VCF-style: chr7-124511018-C-T.
Other names: c.-138-7324G>A (NM_001042594.2); short protein forms A68T.
Identifiers: ClinVar variation 2562064 (VCV002562064.3), dbSNP rs200145895, ClinGen allele CA4465488.

ClinVar aggregate classification (germline): Uncertain significance. Review status: criteria provided, multiple submitters, no conflicts (2 of 4 stars). 2 submissions from 2 submitters: Uncertain significance (2). Last evaluated 2025-07-04.

Conditions:
Hereditary cancer-predisposing syndrome. Also called: Neoplastic Syndromes, Hereditary; Hereditary Cancer Syndrome; Tumor predisposition; Hereditary neoplastic syndrome. Identifiers: Orphanet 140162, MedGen C0027672, MeSH D009386, MONDO:0015356.
Tumor predisposition syndrome 3 (TPDS3). Also called: Glioma susceptibility 9; LONG TELOMERE SYNDROME, POT1-RELATED; POT1 Tumor Predisposition; Melanoma, cutaneous malignant, susceptibility to, 10. Identifiers: Orphanet 618, MedGen C4014476, MONDO:0014368, OMIM 615848.

Allele frequency attached by ClinVar (database versions not stated): gnomAD exomes below 0.00001; ExAC 0.00001; gnomAD 0.00001; 1000 Genomes Project 30x 0.00016; 1000 Genomes Project 0.00020.
gnomAD v4.1: 5 of 1,610,212 alleles (0.00031%); highest among the groups gnomAD compares: Admixed American, 0.005%; no homozygotes.

Submissions (2):

Labcorp Genetics (formerly Invitae), Labcorp
Classification: Uncertain significance for Tumor predisposition syndrome 3. Last evaluated: 2025-07-04. Review status: criteria provided, single submitter. Criteria: Invitae Variant Classification Sherloc (09022015). Collection method: clinical testing. Allele origin: germline.
Comment: This sequence change replaces alanine, which is neutral and non-polar, with threonine, which is neutral and polar, at codon 68 of the POT1 protein (p.Ala68Thr). This variant is present in population databases (rs200145895, gnomAD 0.003%). This variant has not been reported in the literature in individuals affected with POT1-related conditions. ClinVar contains an entry for this variant (Variation ID: 2562064). Invitae Evidence Modeling of protein sequence and biophysical properties (such as structural, functional, and spatial information, amino acid conservation, physicochemical variation, residue mobility, and thermodynamic stability) indicates that this missense variant is not expected to disrupt POT1 protein function with a negative predictive value of 80%. In summary, the available evidence is currently insufficient to determine the role of this variant in disease. Therefore, it has been classified as a Variant of Uncertain Significance.

Ambry Genetics
Classification: Uncertain significance for Hereditary cancer-predisposing syndrome. Last evaluated: 2023-06-08. Review status: criteria provided, single submitter. Criteria: Ambry Variant Classification Scheme 2023. Collection method: clinical testing. Allele origin: germline.
Comment: The p.A68T variant (also known as c.202G>A), located in coding exon 3 of the POT1 gene, results from a G to A substitution at nucleotide position 202. The alanine at codon 68 is replaced by threonine, an amino acid with similar properties. This amino acid position is conserved. In addition, this alteration is predicted to be tolerated by in silico analysis. Since supporting evidence is limited at this time, the clinical significance of this alteration remains unclear.